The following is an entry in ClinVar:

NM_004082.5(DCTN1):c.3217A>G (p.Ile1073Val)

Gene: DCTN1 (dynactin subunit 1; minus strand). Cytogenetic location: 2p13.1.
Variant type: single nucleotide variant.
Coding change: c.3217A>G on transcript NM_004082.5 (MANE Select); coding-DNA position 3217, A replaced by G.
Protein change: p.Ile1073Val; replaces isoleucine 1073 with valine.
Molecular consequence: missense variant. On other transcripts: non-coding transcript variant (1).
Genome position (GRCh38, 1-based): chr2:74,363,422, T>C on the plus strand (A>G on the coding strand, the complement: DCTN1 is on the minus strand). VCF-style: chr2-74363422-T-C. GRCh37 (hg19) VCF-style: chr2-74590549-T-C.
Other names: c.3142A>G, p.Ile1048Val (NM_001135040.3); c.2800A>G, p.Ile934Val (NM_001135041.3); c.3091A>G, p.Ile1031Val (NM_001190836.2); c.3196A>G, p.Ile1066Val (NM_001190837.2); c.3166A>G, p.Ile1056Val (NM_001378991.1); c.3148A>G, p.Ile1050Val (NM_001378992.1); c.2815A>G, p.Ile939Val (NM_023019.4); short protein forms I1048V, I1066V, I939V, I1073V, I934V, I1031V, I1050V, I1056V.
Identifiers: ClinVar variation 656139 (VCV000656139.28), dbSNP rs757034536, ClinGen allele CA1721542.
Genomic context (GRCh38, chr2:74,363,422, plus strand): 5'-GCAGTGGTGAGTCCTTCACCAGCCCTGGGCCTGGCACAGACCCTGGAGCCTGCCCAGGGA[T>C]GGCTCCTGTGGGGACCATAAAAAATCTCATCAGCCCCAAGTGGAAAGGGTTGAAAATTGG-3'
Protein context (NP_004073.2, residues 1063-1083): IAGEEQQRGA[Ile1073Val]PGQAPGSVPG

ClinVar aggregate classification (germline): Conflicting classifications of pathogenicity. Review status: criteria provided, conflicting classifications (1 of 4 stars). 4 submissions from 4 submitters: Uncertain significance (3); Likely benign (1). Last evaluated 2026-01-13.

Conditions:
DCTN1-related disorder. Also called: DCTN1-related condition.
Amyotrophic lateral sclerosis type 1 (ALS1). Also called: AMYOTROPHIC LATERAL SCLEROSIS 1, FAMILIAL. Identifiers: Orphanet 803, MedGen C1862939, MONDO:0007103, OMIM 105400.
Perry syndrome. Also called: PARKINSONISM WITH ALVEOLAR HYPOVENTILATION AND MENTAL DEPRESSION. Identifiers: Orphanet 178509, MedGen C1868594, MONDO:0008201, OMIM 168605.
Neuronopathy, distal hereditary motor, type 7B. Also called: LOWER MOTOR NEURON DISEASE, DYNACTIN TYPE; NEURONOPATHY, DISTAL HEREDITARY MOTOR, AUTOSOMAL DOMINANT 14; NEURONOPATHY, DISTAL HEREDITARY MOTOR, HARDING TYPE VIIB; NEUROPATHY, DISTAL HEREDITARY MOTOR, HARDING TYPE VIIB; NEUROPATHY, DISTAL HEREDITARY MOTOR, WITH VOCAL CORD PARALYSIS, HARDING TYPE VIIB; Distal Hereditary Motor Neuronopathy Type 7B (dHMN7B). Identifiers: Orphanet 139589, MedGen C1843315, MONDO:0011879, OMIM 607641.
Inborn genetic diseases. Identifiers: MedGen C0950123, MeSH D030342.

Allele frequency attached by ClinVar (database versions not stated): gnomAD 0.00002; gnomAD exomes 0.00002 and 0.00006; TOPMed 0.00006; ExAC 0.00009.
gnomAD v4.1: 41 of 1,612,122 alleles (0.0025%); highest among the groups gnomAD compares: Middle Eastern, 0.02%; no homozygotes.

Submissions (4):

Labcorp Genetics (formerly Invitae), Labcorp
Classification: Uncertain significance for Amyotrophic lateral sclerosis type 1; Neuronopathy, distal hereditary motor, type 7B; Perry syndrome. Last evaluated: 2026-01-13. Review status: criteria provided, single submitter. Criteria: Invitae Variant Classification Sherloc (09022015). Collection method: clinical testing. Allele origin: germline.
Comment: This sequence change replaces isoleucine, which is neutral and non-polar, with valine, which is neutral and non-polar, at codon 1073 of the DCTN1 protein (p.Ile1073Val). This variant is present in population databases (rs757034536, gnomAD 0.01%). This variant has not been reported in the literature in individuals affected with DCTN1-related conditions. ClinVar contains an entry for this variant (Variation ID: 656139). Invitae Evidence Modeling of protein sequence and biophysical properties (such as structural, functional, and spatial information, amino acid conservation, physicochemical variation, residue mobility, and thermodynamic stability) indicates that this missense variant is not expected to disrupt DCTN1 protein function with a negative predictive value of 95%. In summary, the available evidence is currently insufficient to determine the role of this variant in disease. Therefore, it has been classified as a Variant of Uncertain Significance.

PreventionGenetics, part of Exact Sciences
Classification: Uncertain significance for DCTN1-related condition. Last evaluated: 2025-08-22. Review status: criteria provided, single submitter. Criteria: ACMG Guidelines, 2015. Collection method: clinical testing. Allele origin: germline.
Comment: The DCTN1 c.3217A>G variant is predicted to result in the amino acid substitution p.Ile1073Val. To our knowledge, this variant has not been reported in the literature. This variant is reported in 0.012% of alleles in individuals of European (Non-Finnish) descent in gnomAD. At this time, the clinical significance of this variant is uncertain due to the absence of conclusive functional and genetic evidence.

CeGaT Center for Human Genetics Tuebingen
Classification: Uncertain significance. Last evaluated: 2024-06-01. Review status: criteria provided, single submitter. Criteria: CeGaT Center For Human Genetics Tuebingen Variant Classification Criteria Version 2. Collection method: clinical testing. Allele origin: germline. Affected: yes. Observed: 1 variant allele.
Comment: DCTN1: PM2, BP4

Ambry Genetics
Classification: Likely benign for Inborn genetic diseases. Last evaluated: 2020-12-01. Review status: criteria provided, single submitter. Criteria: Ambry Variant Classification Scheme 2023. Collection method: clinical testing. Allele origin: germline.